The following is an entry in ClinVar:

ClinVar aggregate classification (germline): Uncertain significance (1 of 4 stars; one submission).

Conditions:
Developmental and epileptic encephalopathy, 30 (DEE30). Also called: Epileptic encephalopathy, early infantile, 30. Identifiers: MedGen C4225360, MONDO:0014595, OMIM 616341.

Submission:

Labcorp Genetics (formerly Invitae), Labcorp
Classification: Uncertain significance for Developmental and epileptic encephalopathy, 30. Last evaluated: 2023-02-01. Review status: criteria provided, single submitter. Criteria: Invitae Variant Classification Sherloc (09022015). Collection method: clinical testing. Allele origin: germline.
Comment: In summary, the available evidence is currently insufficient to determine the role of this variant in disease. Therefore, it has been classified as a Variant of Uncertain Significance. Algorithms developed to predict the effect of missense changes on protein structure and function are either unavailable or do not agree on the potential impact of this missense change (SIFT: "Deleterious"; PolyPhen-2: "Probably Damaging"; Align-GVGD: "Class C0"). This variant has not been reported in the literature in individuals affected with SIK1-related conditions. This variant is not present in population databases (gnomAD no frequency). This sequence change replaces histidine, which is basic and polar, with aspartic acid, which is acidic and polar, at codon 46 of the SIK1 protein (p.His46Asp).

NM_173354.5(SIK1):c.136C>G (p.His46Asp)

Gene: SIK1 (salt inducible kinase 1; minus strand). Cytogenetic location: 21q22.3.
Variant type: single nucleotide variant.
Coding change: c.136C>G on transcript NM_173354.5 (MANE Select); coding-DNA position 136, C replaced by G.
Protein change: p.His46Asp; replaces histidine 46 with aspartic acid.
Molecular consequence: missense variant.
Genome position (GRCh38, 1-based): chr21:43,426,043, G>C on the plus strand (C>G on the coding strand, the complement: SIK1 is on the minus strand). VCF-style: chr21-43426043-G-C. GRCh37 (hg19) VCF-style: chr21-44845923-G-C.
Other names: short protein forms H46D.
Identifiers: ClinVar variation 2090247 (VCV002090247.4), dbSNP rs2516969096, ClinGen allele CA410610938.